The following is an entry in ClinVar:

ClinVar aggregate classification (germline): Pathogenic. Review status: criteria provided, multiple submitters, no conflicts (2 of 4 stars). 2 submissions from 2 submitters: Pathogenic (2). Last evaluated 2024-02-29.

Conditions:
Noonan syndrome 10 (NS10). Identifiers: Orphanet 648, MedGen C4225280, MONDO:0014693, OMIM 616564.

Submissions (2):

3billion
Classification: Pathogenic for Noonan syndrome 10. Last evaluated: 2024-02-29. Review status: criteria provided, single submitter. Criteria: ACMG Guidelines, 2015. Collection method: clinical testing. Allele origin: germline. Affected: yes.
Comment: The variant is not observed in the gnomAD v2.1.1 dataset. Predicted Consequence/Location: Missense variant In silico tool predictions suggest damaging effect of the variant on gene or gene product [REVEL: 0.70 (>=0.6, sensitivity 0.68 and specificity 0.92); 3Cnet: 0.70 (>=0.6, sensitivity 0.72 and precision 0.9)]. Same nucleotide change resulting in same amino acid change has been previously reported to be associated with LZTR1-related disorder (ClinVar ID: VCV002499923 /PMID: 28973083).The variant has been previously reported as de novo in a similarly affected individual (PMID: 28973083). Different missense changes at the same codon (p.Gly248Arg, p.Gly248Glu) has been reported as pathogenic/likely pathogenic with strong evidence (ClinVar ID: VCV000209088, VCV001344894 /PMID: 25795793, 35840934 /3billion dataset). Therefore, this variant is classified as Pathogenic according to the recommendation of ACMG/AMP guideline.

GeneDx
Classification: Pathogenic. Last evaluated: 2022-10-24. Review status: criteria provided, single submitter. Criteria: GeneDx Variant Classification Process June 2021. Collection method: clinical testing. Allele origin: germline. Affected: yes.
Comment: Not observed at significant frequency in large population cohorts (gnomAD); In silico analysis supports that this missense variant has a deleterious effect on protein structure/function; This variant is associated with the following publications: (PMID: 28973083)

Literature cited by the submitters: PubMed 25795793 (cited by 3billion); PubMed 28973083 (cited by 3billion).

NM_006767.4(LZTR1):c.743G>C (p.Gly248Ala)

Gene: LZTR1 (leucine zipper like post translational regulator 1; plus strand). Cytogenetic location: 22q11.21.
Variant type: single nucleotide variant.
Coding change: c.743G>C on transcript NM_006767.4 (MANE Select); coding-DNA position 743, G replaced by C.
Protein change: p.Gly248Ala; replaces glycine 248 with alanine.
Molecular consequence: missense variant.
Genome position (GRCh38, 1-based): chr22:20,990,477, G>C. VCF-style: chr22-20990477-G-C. GRCh37 (hg19) VCF-style: chr22-21344766-G-C.
Other names: short protein forms G248A.
Identifiers: ClinVar variation 2499923 (VCV002499923.2), dbSNP rs2147964105, ClinGen allele CA410780607.
Genomic context (GRCh38, chr22:20,990,477, plus strand): 5'-GCTGCAACTTCCCCGTGGCTGTGTGCCGGGACAAGATGTTTGTATTCTCTGGGCAAAGCG[G>C]AGCCAAAATAACCAACAACCTCTTCCAGTTTGAATTCAAGGACAAGACGTGAGTACTCTG-3'
Protein context (NP_006758.2, residues 238-258): DKMFVFSGQS[Gly248Ala]AKITNNLFQF